The following is an entry in ClinVar:

ClinVar aggregate classification (germline): Uncertain significance (1 of 4 stars; one submission).

Conditions:
Classic or attenuated familial adenomatous polyposis. Identifiers: MedGen CN372698, MONDO:0021057.

Submission:

All of Us Research Program, National Institutes of Health
Classification: Uncertain significance for Classic or attenuated familial adenomatous polyposis. Last evaluated: 2023-08-15. Review status: criteria provided, single submitter. Criteria: ACMG Guidelines, 2015. Collection method: clinical testing. Allele origin: germline. Inheritance: Autosomal dominant inheritance. Observed: 1 variant allele, 1 heterozygote.
Comment: This missense variant replaces leucine with phenylalanine at codon 1280 of the APC protein. Computational prediction suggests that this variant may have deleterious impact on protein structure and function (internally defined REVEL score threshold >= 0.7, PMID: 27666373). To our knowledge, functional studies have not been reported for this variant. This variant has not been reported in individuals affected with APC-related disorders in the literature. This variant has not been identified in the general population by the Genome Aggregation Database (gnomAD). The available evidence is insufficient to determine the role of this variant in disease conclusively. Therefore, this variant is classified as a Variant of Uncertain Significance.

This study involves interpretation of variants in research participants for the purpose of population health screening. Participant phenotype was not available at the time of variant classification. Additional details can be found in publication PMID: 35346344, PMCID: PMC8962531

NM_000038.6(APC):c.3840G>T (p.Leu1280Phe)

Gene: APC (APC regulator of WNT signaling pathway; plus strand). Cytogenetic location: 5q22.2.
Variant type: single nucleotide variant.
Coding change: c.3840G>T on transcript NM_000038.6 (MANE Select); coding-DNA position 3840, G replaced by T.
Protein change: p.Leu1280Phe; replaces leucine 1280 with phenylalanine.
Molecular consequence: missense variant. On other transcripts: non-coding transcript variant (2).
Genome position (GRCh38, 1-based): chr5:112,839,434, G>T. VCF-style: chr5-112839434-G-T. GRCh37 (hg19) VCF-style: chr5-112175131-G-T.
Other names: c.3840G>T, p.Leu1280Phe (NM_001127510.3, NM_001354895.2, NM_001407450.1); c.3786G>T, p.Leu1262Phe (NM_001127511.3); c.3894G>T, p.Leu1298Phe (NM_001354896.2, NM_001407447.1, NM_001407448.1 and 1 more transcripts); c.3870G>T, p.Leu1290Phe (NM_001354897.2); c.3765G>T, p.Leu1255Phe (NM_001354898.2); c.3756G>T, p.Leu1252Phe (NM_001354899.2); c.3717G>T, p.Leu1239Phe (NM_001354900.2); c.3663G>T, p.Leu1221Phe (NM_001354901.2, NM_001407453.1); and 11 more; short protein forms L1120F, L1151F, L1154F, L1179F, L1189F, L1197F, L1221F, L1239F.
Identifiers: ClinVar variation 3072757 (VCV003072757.1), dbSNP rs2149900186, ClinGen allele CA16029756.
Genomic context (GRCh38, chr5:112,839,434, plus strand): 5'-GACTTATTGTGTAGAAGATACTCCAATATGTTTTTCAAGATGTAGTTCATTATCATCTTT[G>T]TCATCAGCTGAAGATGAAATAGGATGTAATCAGACGACACAGGAAGCAGATTCTGCTAAT-3'
Protein context (NP_000029.2, residues 1270-1290): CFSRCSSLSS[Leu1280Phe]SSAEDEIGCN